The following is an entry in ClinVar:

ClinVar aggregate classification (germline): Uncertain significance. Review status: criteria provided, multiple submitters, no conflicts (2 of 4 stars). 2 submissions from 2 submitters: Uncertain significance (2). Last evaluated 2025-12-16.

Conditions:
Inborn genetic diseases. Identifiers: MedGen C0950123, MeSH D030342.

Allele frequency attached by ClinVar (database versions not stated): TOPMed below 0.00001; ExAC 0.00001; gnomAD 0.00001; gnomAD exomes 0.00002.
gnomAD v4.1: 5 of 1,613,728 alleles (0.00031%); highest among the groups gnomAD compares: Admixed American, 0.0083%; no homozygotes.

Submissions (2):

Ambry Genetics
Classification: Uncertain significance for Inborn genetic diseases. Last evaluated: 2025-12-16. Review status: criteria provided, single submitter. Criteria: Ambry Variant Classification Scheme 2023. Collection method: clinical testing. Allele origin: germline.

Labcorp Genetics (formerly Invitae), Labcorp
Classification: Uncertain significance. Last evaluated: 2025-08-22. Review status: criteria provided, single submitter. Criteria: Invitae Variant Classification Sherloc (09022015). Collection method: clinical testing. Allele origin: germline.
Comment: This sequence change replaces valine, which is neutral and non-polar, with isoleucine, which is neutral and non-polar, at codon 240 of the CTR9 protein (p.Val240Ile). This variant is present in population databases (rs767076500, gnomAD 0.01%). This variant has not been reported in the literature in individuals affected with CTR9-related conditions. ClinVar contains an entry for this variant (Variation ID: 1393944). An algorithm developed to predict the effect of missense changes on protein structure and function (PolyPhen-2) suggests that this variant is likely to be tolerated. In summary, the available evidence is currently insufficient to determine the role of this variant in disease. Therefore, it has been classified as a Variant of Uncertain Significance.

NM_014633.5(CTR9):c.718G>A (p.Val240Ile)

Gene: CTR9 (CTR9 component of Paf1/RNA polymerase II complex; plus strand). Cytogenetic location: 11p15.4.
Variant type: single nucleotide variant.
Coding change: c.718G>A on transcript NM_014633.5 (MANE Select); coding-DNA position 718, G replaced by A.
Protein change: p.Val240Ile; replaces valine 240 with isoleucine.
Molecular consequence: missense variant.
Genome position (GRCh38, 1-based): chr11:10,760,298, G>A. VCF-style: chr11-10760298-G-A. GRCh37 (hg19) VCF-style: chr11-10781845-G-A.
Other names: c.718G>A (NM_014633.3); c.718G>A, p.Val240Ile (NM_001346279.2); short protein forms V240I.
Identifiers: ClinVar variation 1393944 (VCV001393944.9), dbSNP rs767076500, ClinGen allele CA5884933.